The following is an entry in ClinVar:

ClinVar aggregate classification (germline): Likely pathogenic (1 of 4 stars; one submission).

Conditions:
Cobblestone lissencephaly without muscular or ocular involvement. Also called: LEUKOENCEPHALOPATHY WITH VARIABLE CORTICAL BRAIN MALFORMATIONS AND/OR HYDROCEPHALUS; Lissencephaly 5. Identifiers: Orphanet 352682, MedGen C3554657, MONDO:0014077, OMIM 615191.

Submission:

Juno Genomics, Hangzhou Juno Genomics, Inc
Classification: Likely pathogenic for Cobblestone lissencephaly without muscular or ocular involvement. Review status: criteria provided, single submitter. Criteria: ACMG Guidelines, 2015. Collection method: clinical testing. Allele origin: germline.
Comment: Null variant in a gene where loss of function (LOF) is a known mechanism of disease.;Absent from controls (or at extremely low frequency if recessive) in Genome Aggregation Database.

NM_002291.3(LAMB1):c.2855_2861dup

Gene: LAMB1 (laminin subunit beta 1; minus strand). Cytogenetic location: 7q31.1.
Variant type: Duplication.
Coding change: c.2855_2861dup on transcript NM_002291.3 (MANE Select); coding-DNA positions 2855 to 2861, 7 bases duplicated (GTTCCAG; older notation c.2855_2861dupGTTCCAG).
Molecular consequence: splice acceptor variant.
Genome position (GRCh38, 1-based): chr7:107,953,748-107,953,754, CTGGAAC duplicated on the plus strand (GTTCCAG on the coding strand, the reverse complement: LAMB1 is on the minus strand); duplicating any 7 consecutive bases within chr7:107,953,748-107,953,757 gives the same sequence; the c. name uses the placement nearest the transcript's 3' end. VCF-style (leftmost placement, unchanged base first): chr7-107953747-T-TCTGGAAC. GRCh37 (hg19) VCF-style: chr7-107594192-T-TCTGGAAC.
Identifiers: ClinVar variation 5007139 (VCV005007139.2).
Genomic context (GRCh38, chr7:107,953,747, plus strand): 5'-CTGACACGACCCCCCAACTTCTGATGGATTGCCAAAGTATCCTGAGGCACAGTCGTCACA[T>TCTGGAAC]CTGGAACCTGTCACCCGATAAAACCAAACACAAGATGTTTAGCTTATTGACTGAAAGCTC-3'